The following is an entry in ClinVar:

ClinVar aggregate classification (germline): Uncertain significance. Review status: criteria provided, multiple submitters, no conflicts (2 of 4 stars). 2 submissions from 2 submitters: Uncertain significance (2). Last evaluated 2020-01-17.

Conditions:
Congenital muscular dystrophy due to integrin alpha-7 deficiency. Also called: MYOPATHY, CONGENITAL, DUE TO INTEGRIN ALPHA-7 DEFICIENCY; Congenital muscular dystrophy with integrin alpha-7 deficiency; Muscular dystrophy, congenital, due to ITGA7 deficiency. Identifiers: Orphanet 34520, MedGen C2750786, MONDO:0013177, OMIM 613204.

Allele frequency attached by ClinVar (database versions not stated): gnomAD 0.00003 and 0.00005; TOPMed 0.00003; gnomAD exomes 0.00005; ExAC 0.00006.

Submissions (2):

Labcorp Genetics (formerly Invitae), Labcorp
Classification: Uncertain significance for Congenital muscular dystrophy due to integrin alpha-7 deficiency. Last evaluated: 2020-01-17. Review status: criteria provided, single submitter. Criteria: Invitae Variant Classification Sherloc (09022015). Collection method: clinical testing. Allele origin: germline.
Comment: In summary, the available evidence is currently insufficient to determine the role of this variant in disease. Therefore, it has been classified as a Variant of Uncertain Significance. Algorithms developed to predict the effect of missense changes on protein structure and function are either unavailable or do not agree on the potential impact of this missense change (SIFT: "Tolerated"; PolyPhen-2: "Probably Damaging"; Align-GVGD: "Class C0"). This variant has not been reported in the literature in individuals with ITGA7-related conditions. This variant is present in population databases (rs775063840, ExAC 0.009%). This sequence change replaces arginine with histidine at codon 347 of the ITGA7 protein (p.Arg347His). The arginine residue is moderately conserved and there is a small physicochemical difference between arginine and histidine.

Revvity Omics, Revvity
Classification: Uncertain significance for Congenital muscular dystrophy due to integrin alpha-7 deficiency. Last evaluated: 2019-08-12. Review status: criteria provided, single submitter. Criteria: ACMG Guidelines, 2015. Collection method: clinical testing. Allele origin: germline.

NM_002206.3(ITGA7):c.1040G>A (p.Arg347His)

Gene: ITGA7 (integrin subunit alpha 7; minus strand). Cytogenetic location: 12q13.2.
Variant type: single nucleotide variant.
Coding change: c.1040G>A on transcript NM_002206.3 (MANE Select); coding-DNA position 1040, G replaced by A.
Protein change: p.Arg347His; replaces arginine 347 with histidine.
Molecular consequence: missense variant. On other transcripts: 5 prime UTR variant (1).
Genome position (GRCh38, 1-based): chr12:55,698,535, C>T on the plus strand (G>A on the coding strand, the complement: ITGA7 is on the minus strand). VCF-style: chr12-55698535-C-T. GRCh37 (hg19) VCF-style: chr12-56092319-C-T.
Other names: c.1052G>A, p.Arg351His (NM_001144996.2, NM_001414029.1, NM_001414030.1); c.761G>A, p.Arg254His (NM_001144997.2); c.713G>A, p.Arg238His (NM_001367993.1); c.-253G>A (NM_001367994.1); c.1040G>A, p.Arg347His (NM_001374465.1, NM_001414031.1, NM_001414034.1); c.1172G>A, p.Arg391His (NM_001410977.1); c.920G>A, p.Arg307His (NM_001414032.1); c.857G>A, p.Arg286His (NM_001414033.1); and 2 more; short protein forms R238H, R254H, R347H, R351H, R391H, R286H, R234H, R307H.
Identifiers: ClinVar variation 1044425 (VCV001044425.10), dbSNP rs775063840, ClinGen allele CA6616075.